The following is an entry in ClinVar:

ClinVar aggregate classification (germline): Uncertain significance (1 of 4 stars; one submission).

Conditions:
Hereditary cancer-predisposing syndrome. Also called: Neoplastic Syndromes, Hereditary; Tumor predisposition; Hereditary Cancer Syndrome; Hereditary neoplastic syndrome. Identifiers: Orphanet 140162, MedGen C0027672, MeSH D009386, MONDO:0015356.

gnomAD v4.1: 1 of 1,605,844 alleles (0.000062%); highest among the groups gnomAD compares: Non-Finnish European, 0.000085%; no homozygotes.

Submission:

Ambry Genetics
Classification: Uncertain significance for Hereditary cancer-predisposing syndrome. Last evaluated: 2025-10-13. Review status: criteria provided, single submitter. Criteria: Ambry Variant Classification Scheme 2023. Collection method: clinical testing. Allele origin: germline.
Comment: The p.S744P variant (also known as c.2230T>C), located in coding exon 9 of the BLM gene, results from a T to C substitution at nucleotide position 2230. The serine at codon 744 is replaced by proline, an amino acid with similar properties. This amino acid position is conserved. In addition, this alteration is predicted to be tolerated by in silico analysis. Based on the available evidence, the clinical significance of this variant remains unclear.

NM_000057.4(BLM):c.2230T>C (p.Ser744Pro)

Gene: BLM (BLM RecQ like helicase; plus strand). Cytogenetic location: 15q26.1.
Variant type: single nucleotide variant.
Coding change: c.2230T>C on transcript NM_000057.4 (MANE Select); coding-DNA position 2230, T replaced by C.
Protein change: p.Ser744Pro; replaces serine 744 with proline.
Molecular consequence: missense variant.
Genome position (GRCh38, 1-based): chr15:90,766,946, T>C. VCF-style: chr15-90766946-T-C. GRCh37 (hg19) VCF-style: chr15-91310176-T-C.
Other names: c.2230T>C, p.Ser744Pro (NM_001287246.2, NM_001287247.2); c.1105T>C, p.Ser369Pro (NM_001287248.2); short protein forms S369P, S744P.
Identifiers: ClinVar variation 4622612 (VCV004622612.1).